The following is an entry in ClinVar:

ClinVar aggregate classification (germline): Likely pathogenic. Review status: criteria provided, single submitter (1 of 4 stars). 2 submissions from 2 submitters: Likely pathogenic (1). 1 of the submissions does not count toward it. Last evaluated 2020-09-16.

Conditions:
Congenital hyperammonemia, type I. Also called: Carbamoyl phosphate synthetase I deficiency disease; Carbamoyl phosphate synthetase 1 deficiency; Hyperammonemia due to carbamoyl phosphate synthetase 1 deficiency; CPS 1 deficiency; Carbamyl phosphate synthetase (CPS) deficiency; CPS I DEFICIENCY. Identifiers: Orphanet 147, MedGen C4082171, MONDO:0009376, OMIM 237300.

Submissions (2):

Labcorp Genetics (formerly Invitae), Labcorp
Classification: Likely pathogenic for Congenital hyperammonemia, type I. Last evaluated: 2020-09-16. Review status: criteria provided, single submitter. Criteria: Invitae Variant Classification Sherloc (09022015). Collection method: clinical testing. Allele origin: germline.
Comment: Algorithms developed to predict the effect of sequence changes on RNA splicing suggest that this variant may disrupt the consensus splice site, but this prediction has not been confirmed by published transcriptional studies. In summary, the currently available evidence indicates that the variant is pathogenic, but additional data are needed to prove that conclusively. Therefore, this variant has been classified as Likely Pathogenic. Donor and acceptor splice site variants typically lead to a loss of protein function (PMID: 16199547), and loss-of-function variants in CPS1 are known to be pathogenic (PMID: 21120950). This variant has not been reported in the literature in individuals with CPS1-related conditions. This variant is not present in population databases (ExAC no frequency). This sequence change affects a donor splice site in intron 19 of the CPS1 gene. It is expected to disrupt RNA splicing and likely results in an absent or disrupted protein product.

Natera, Inc.
Classification: Likely pathogenic for Carbamoyl-phosphate synthase I deficiency. Last evaluated: 2021-04-23. Review status: no assertion criteria provided. Collection method: clinical testing. Allele origin: germline. Not counted in ClinVar's aggregate classification.

Literature cited by the submitters: PubMed 16199547 (cited by Labcorp Genetics (formerly Invitae), Labcorp); PubMed 21120950 (cited by Labcorp Genetics (formerly Invitae), Labcorp).

NM_001875.5(CPS1):c.2391+1G>T

Gene: CPS1 (carbamoyl-phosphate synthase 1; plus strand). Cytogenetic location: 2q34.
Variant type: single nucleotide variant.
Coding change: c.2391+1G>T on transcript NM_001875.5 (MANE Select); the canonical splice donor site of the intron after coding-DNA position 2391, G replaced by T.
Molecular consequence: splice donor variant.
Genome position (GRCh38, 1-based): chr2:210,608,560, G>T. VCF-style: chr2-210608560-G-T. GRCh37 (hg19) VCF-style: chr2-211473284-G-T.
Other names: c.2391+1G>T (NM_001369257.1, NM_001122633.3); c.2424+1G>T (NM_001369256.1).
Identifiers: ClinVar variation 1066764 (VCV001066764.10), dbSNP rs1553513433, ClinGen allele CA350439848.
Genomic context (GRCh38, chr2:210,608,560, plus strand): 5'-CTTGACCGTTTTCATGGAACATCTAGCCGAATTGGTAGCTCTATGAAAAGTGTAGGAGAG[G>T]TGAGTCCTTGGTTTATTACGCTTTTCTTCTTGTTCTCAGTTATTTTGTTAAATTTGTGAC-3'